The following is an entry in ClinVar:

NM_000069.3(CACNA1S):c.1860G>A (p.Met620Ile)

Gene: CACNA1S (calcium voltage-gated channel subunit alpha1 S; minus strand). Cytogenetic location: 1q32.1.
Variant type: single nucleotide variant.
Coding change: c.1860G>A on transcript NM_000069.3 (MANE Select); coding-DNA position 1860, G replaced by A.
Protein change: p.Met620Ile; replaces methionine 620 with isoleucine.
Molecular consequence: missense variant.
Genome position (GRCh38, 1-based): chr1:201,075,583, C>T on the plus strand (G>A on the coding strand, the complement: CACNA1S is on the minus strand). VCF-style: chr1-201075583-C-T. GRCh37 (hg19) VCF-style: chr1-201044711-C-T.
Other names: short protein forms M620I.
Identifiers: ClinVar variation 2639746 (VCV002639746.25), dbSNP rs2102140249, ClinGen allele CA344117225.
Genomic context (GRCh38, chr1:201,075,583, plus strand): 5'-GTAAATGCACACAAGCATGCCAGGGTAGGACGGCCCGCCGTAGGCCATGATCCCATTGTA[C>T]ATCATTGAGGTCCAGTCTTCCCCTGTCAGTACCTGTATGGAGGGAGGATAGAGGGCTCGG-3'
Protein context (NP_000060.2, residues 610-630): VLTGEDWTSM[Met620Ile]YNGIMAYGGP

ClinVar aggregate classification (germline): Uncertain significance. Review status: criteria provided, multiple submitters, no conflicts (2 of 4 stars). 2 submissions from 2 submitters: Uncertain significance (2). Last evaluated 2023-05-08.

Conditions:
Malignant hyperthermia, susceptibility to, 5 (MHS5). Also called: CACNA1S-Related Malignant Hyperthermia Susceptibility. Identifiers: Orphanet 423, MedGen C1866077, MONDO:0011163, OMIM 601887.

Submissions (2):

All of Us Research Program, National Institutes of Health
Classification: Uncertain significance for Malignant hyperthermia, susceptibility to, 5. Last evaluated: 2023-05-08. Review status: criteria provided, single submitter. Criteria: ACMG Guidelines, 2015. Collection method: clinical testing. Allele origin: germline. Inheritance: Autosomal dominant inheritance. Observed: 1 variant allele, 1 heterozygote.
Comment: This study involves interpretation of variants in research participants for the purpose of population health screening. Participant phenotype was not available at the time of variant classification. Additional details can be found in publication PMID: 35346344, PMCID: PMC8962531

CeGaT Center for Human Genetics Tuebingen
Classification: Uncertain significance. Last evaluated: 2022-12-01. Review status: criteria provided, single submitter. Criteria: CeGaT Center For Human Genetics Tuebingen Variant Classification Criteria Version 2. Collection method: clinical testing. Allele origin: germline. Affected: yes. Observed: 1 variant allele.
Comment: CACNA1S: PM2